The following is an entry in ClinVar:

ClinVar aggregate classification (germline): Uncertain significance (1 of 4 stars; one submission).

Conditions:
Hereditary spastic paraplegia 4. Also called: Spastic paraplegia 4, autosomal dominant; Familial spastic paraplegia autosomal dominant 2; Spastic Paraplegia 4. Identifiers: Orphanet 100985, MedGen C1866855, MONDO:0008438, OMIM 182601.

Submission:

Labcorp Genetics (formerly Invitae), Labcorp
Classification: Uncertain significance for Hereditary spastic paraplegia 4. Last evaluated: 2020-12-01. Review status: criteria provided, single submitter. Criteria: Invitae Variant Classification Sherloc (09022015). Collection method: clinical testing. Allele origin: germline.
Comment: In summary, the available evidence is currently insufficient to determine the role of this variant in disease. Therefore, it has been classified as a Variant of Uncertain Significance. Experimental studies and prediction algorithms are not available or were not evaluated, and the functional significance of this variant is currently unknown. A similar copy number gain has been observed in individual(s) with spastic paraplegia (PMID: 21896784, Invitae). This variant results in a copy number gain of the genomic region encompassing exon(s) 8-9 of the SPAST gene. While the exact position of this variant cannot be determined from the data, sub-genic copy number gains are generally in tandem (PMID: 25640679). This variant is predicted to be in-frame, and likely preserves the integrity of the reading frame.

Literature cited by the submitters: PubMed 21896784; PubMed 25640679.

NC_000002.11:g.(?_32352007)_(32353558_?)dup

Gene: SPAST (spastin; plus strand). Cytogenetic location: 2p22.3.
Variant type: Duplication.
Identifiers: ClinVar variation 1440891 (VCV001440891.6).